The following is an entry in ClinVar:

ClinVar aggregate classification (germline): Uncertain significance (1 of 4 stars; one submission).

Submission:

Labcorp Genetics (formerly Invitae), Labcorp
Classification: Uncertain significance. Last evaluated: 2023-09-13. Review status: criteria provided, single submitter. Criteria: Invitae Variant Classification Sherloc (09022015). Collection method: clinical testing. Allele origin: germline.
Comment: Experimental studies and prediction algorithms are not available or were not evaluated, and the functional significance of this variant is currently unknown. This variant, c.1339_1344del, results in the deletion of 2 amino acid(s) of the WFS1 protein (p.Leu447_Ser448del), but otherwise preserves the integrity of the reading frame. This variant is present in population databases (rs758805788, gnomAD 0.007%). This variant has not been reported in the literature in individuals affected with WFS1-related conditions. In summary, the available evidence is currently insufficient to determine the role of this variant in disease. Therefore, it has been classified as a Variant of Uncertain Significance.

NM_006005.3(WFS1):c.1333CTGAGC[1] (p.445LS[1])

Gene: WFS1 (wolframin ER transmembrane glycoprotein; plus strand). Cytogenetic location: 4p16.1.
Variant type: Microsatellite.
Coding change: c.1333CTGAGC[1] on transcript NM_006005.3 (MANE Select); one copy of the 6-base unit CTGAGC starting at c.1333; the reference has two copies in a row; one copy, 6 bases deleted.
Protein change: p.445LS[1].
Molecular consequence: inframe deletion.
Genome position (GRCh38, 1-based): chr4:6,301,134-6,301,139, CTGAGC deleted; deleting any 6 consecutive bases within chr4:6,301,127-6,301,139 gives the same sequence; the position shown is the placement nearest the transcript's 3' end. VCF-style (leftmost placement, unchanged base first): chr4-6301126-ACCTGAG-A. GRCh37 (hg19) VCF-style: chr4-6302853-ACCTGAG-A.
Other names: c.1333CTGAGC[1], p.445LS[1] (NM_001145853.1).
Identifiers: ClinVar variation 2803981 (VCV002803981.3), dbSNP rs758805788, ClinGen allele CA2839312.
Genomic context (GRCh38, chr4:6,301,126, plus strand): 5'-AGGACTGCATCCCCTGCTCGGAGCTGGCTGTCATCACCGGCTTCTTTACCGTGACCAGCT[ACCTGAG>A]CCTGAGCACCCATGCAGAGCCCTACACGCGCAGGGCCCTGGCCACCGAGGTCACCGCCGG-3'